The following is an entry in ClinVar:

ClinVar aggregate classification (germline): Uncertain significance (1 of 4 stars; one submission).

Conditions:
Hyperphosphatasia with impaired intellectual development syndrome 2. Also called: Hyperphosphatasia with intellectual disability syndrome 2; GLYCOSYLPHOSPHATIDYLINOSITOL BIOSYNTHESIS DEFECT 6. Identifiers: Orphanet 247262, MedGen C3553637, MONDO:0013882, OMIM 614749.

Submission:

Labcorp Genetics (formerly Invitae), Labcorp
Classification: Uncertain significance for Hyperphosphatasia with impaired intellectual development syndrome 2. Last evaluated: 2019-09-14. Review status: criteria provided, single submitter. Criteria: Invitae Variant Classification Sherloc (09022015). Collection method: clinical testing. Allele origin: germline.
Comment: This variant is not present in population databases (ExAC no frequency). This sequence change replaces arginine with leucine at codon 1035 of the PIGO protein (p.Arg1035Leu). The arginine residue is highly conserved and there is a moderate physicochemical difference between arginine and leucine. This variant has not been reported in the literature in individuals with PIGO-related conditions. In summary, the available evidence is currently insufficient to determine the role of this variant in disease. Therefore, it has been classified as a Variant of Uncertain Significance. Algorithms developed to predict the effect of missense changes on protein structure and function are either unavailable or do not agree on the potential impact of this missense change (SIFT: "Tolerated"; PolyPhen-2: "Probably Damaging"; Align-GVGD: "Class C0").

NM_032634.4(PIGO):c.3104G>T (p.Arg1035Leu)

Gene: PIGO (phosphatidylinositol glycan anchor biosynthesis class O; minus strand). Cytogenetic location: 9p13.3.
Variant type: single nucleotide variant.
Coding change: c.3104G>T on transcript NM_032634.4 (MANE Select); coding-DNA position 3104, G replaced by T.
Protein change: p.Arg1035Leu; replaces arginine 1035 with leucine.
Molecular consequence: missense variant.
Genome position (GRCh38, 1-based): chr9:35,089,416, C>A on the plus strand (G>T on the coding strand, the complement: PIGO is on the minus strand). VCF-style: chr9-35089416-C-A. GRCh37 (hg19) VCF-style: chr9-35089413-C-A.
Other names: c.1853G>T, p.Arg618Leu (NM_001201484.2, NM_152850.4); short protein forms R1035L, R618L.
Identifiers: ClinVar variation 945008 (VCV000945008.9), dbSNP rs763001837, ClinGen allele CA373317350.
Genomic context (GRCh38, chr9:35,089,416, plus strand): 5'-TACTTCTCAAGCAAATCTACTCACTTAGGGGCAAACACTTTCCAGACCATGAGATGCCTG[C>A]GAAGGATGGAGGCTGCCAAGGCACAGGCCAGAATCTAGAGGAGGAGAGGAGGGGCCACGT-3'
Protein context (NP_116023.2, residues 1025-1045): LACALAASIL[Arg1035Leu]RHLMVWKVFA